The following is an entry in ClinVar:

ClinVar aggregate classification (germline): Benign. Review status: criteria provided, multiple submitters, no conflicts (2 of 4 stars). 5 submissions from 5 submitters: Benign (4). 1 of the submissions does not count toward it. Last evaluated 2026-02-01.

Conditions:
PGM1-congenital disorder of glycosylation. Also called: CDG It; Congenital disorder of glycosylation type 1t; PHOSPHOGLUCOMUTASE 1 DEFICIENCY; PGM1 DEFICIENCY; GLYCOGEN STORAGE DISEASE XIV; GSD XIV. Identifiers: Orphanet 319646, MedGen C2752015, MONDO:0013968, OMIM 614921.

Allele frequency attached by ClinVar (database versions not stated): gnomAD exomes 0.00364; ExAC 0.00456; gnomAD 0.01427 and 0.01520; TOPMed 0.01594; 1000 Genomes Project 0.01677; ESP Exome Variant Server 0.01776; 1000 Genomes Project 30x 0.01796.
gnomAD v4.1: 4,240 of 1,613,690 alleles (0.26%); highest among the groups gnomAD compares: African/African-American, 5.1%; 103 homozygotes.

Submissions (5):

Labcorp Genetics (formerly Invitae), Labcorp
Classification: Benign for PGM1-congenital disorder of glycosylation. Last evaluated: 2026-02-01. Review status: criteria provided, single submitter. Criteria: Invitae Variant Classification Sherloc (09022015). Collection method: clinical testing. Allele origin: germline.

ARUP Laboratories, Molecular Genetics and Genomics, ARUP Laboratories
Classification: Benign for PGM1-congenital disorder of glycosylation. Last evaluated: 2022-12-19. Review status: criteria provided, single submitter. Criteria: ARUP Molecular Germline Variant Investigation Process 2024. Collection method: clinical testing. Allele origin: germline.

Illumina Laboratory Services, Illumina
Classification: Benign for PGM1-congenital disorder of glycosylation. Last evaluated: 2018-01-12. Review status: criteria provided, single submitter. Criteria: ICSL Variant Classification Criteria 13 December 2019. Collection method: clinical testing. Allele origin: germline.
Comment: This variant was observed in the ICSL laboratory as part of a predisposition screen in an ostensibly healthy population. It had not been previously curated by ICSL or reported in the Human Gene Mutation Database (HGMD: prior to June 1st, 2018), and was therefore a candidate for classification through an automated scoring system. Utilizing variant allele frequency, disease prevalence and penetrance estimates, and inheritance mode, an automated score was calculated to assess if this variant is too frequent to cause the disease. Based on the score and internal cut-off values, a variant classified as benign is not then subjected to further curation. The score for this variant resulted in a classification of benign for this disease.

GeneDx
Classification: Benign. Last evaluated: 2016-05-11. Review status: criteria provided, single submitter. Criteria: GeneDx Variant Classification (06012015). Collection method: clinical testing. Allele origin: germline. Affected: yes.
Comment: This variant is considered likely benign or benign based on one or more of the following criteria: it is a conservative change, it occurs at a poorly conserved position in the protein, it is predicted to be benign by multiple in silico algorithms, and/or has population frequency not consistent with disease.

Mayo Clinic Laboratories, Mayo Clinic
Classification: Benign. Last evaluated: 2017-10-16. Review status: no assertion criteria provided. Collection method: clinical testing. Allele origin: unknown. Not counted in ClinVar's aggregate classification.

NM_002633.3(PGM1):c.1599+9C>T

Gene: PGM1 (phosphoglucomutase 1; plus strand). Cytogenetic location: 1p31.3.
Variant type: single nucleotide variant.
Coding change: c.1599+9C>T on transcript NM_002633.3 (MANE Select); 9 bases into the intron after coding-DNA position 1599, C replaced by T.
Molecular consequence: intron variant.
Genome position (GRCh38, 1-based): chr1:63,654,475, C>T. VCF-style: chr1-63654475-C-T. GRCh37 (hg19) VCF-style: chr1-64120146-C-T.
Other names: c.1008+9C>T (NM_001172819.2); c.1653+9C>T (NM_001172818.1).
Identifiers: ClinVar variation 297893 (VCV000297893.19), dbSNP rs115864084, ClinGen allele CA889910.